The following is an entry in ClinVar:

ClinVar aggregate classification (germline): Pathogenic. Review status: criteria provided, multiple submitters, no conflicts (2 of 4 stars). 2 submissions from 2 submitters: Pathogenic (2). Last evaluated 2025-10-16.

Conditions:
Atypical hemolytic-uremic syndrome. Identifiers: Orphanet 2134, MedGen C2931788, MONDO:0016244.

Submissions (2):

Mayo Clinic Laboratories, Mayo Clinic
Classification: Pathogenic. Last evaluated: 2025-10-16. Review status: criteria provided, single submitter. Criteria: ACMG Guidelines, 2015. Collection method: clinical testing. Allele origin: germline. Observed: 1 variant allele.
Comment: PM2_supporting, PS3_moderate, PS4_moderate, PVS1

Genomenon, Inc
Classification: Pathogenic for Atypical hemolytic-uremic syndrome. Last evaluated: 2025-10-02. Review status: criteria provided, single submitter. Criteria: Genomenon Sequence Variant Interpretation Standards - Updated. Collection method: curation. Allele origin: germline. Affected: yes.
Comment: CFH p.Cys569Ter (c.1707C>A) is a nonsense variant that introduces a premature stop codon at amino acid position 569, creating a truncated protein that is predicted to undergo nonsense-mediated mRNA decay. This variant has been observed in at least one proband affected with atypical hemolytic-uremic syndrome (PMID:28612003;28911789). It is absent or not present at a significant frequency in gnomAD. In conclusion, we classify CFH p.Cys569Ter (c.1707C>A) as a pathogenic variant.

Literature cited by the submitters: PubMed 28612003 (cited by Mayo Clinic Laboratories, Mayo Clinic and Genomenon, Inc); PubMed 28911789 (cited by Genomenon, Inc).

NM_000186.4(CFH):c.1707C>A (p.Cys569Ter)

Gene: CFH (complement factor H; plus strand). Cytogenetic location: 1q31.3.
Variant type: single nucleotide variant.
Coding change: c.1707C>A on transcript NM_000186.4 (MANE Select); coding-DNA position 1707, C replaced by A.
Protein change: p.Cys569Ter; replaces cysteine 569 with a stop codon.
Molecular consequence: nonsense.
Genome position (GRCh38, 1-based): chr1:196,725,131, C>A. VCF-style: chr1-196725131-C-A. GRCh37 (hg19) VCF-style: chr1-196694261-C-A.
Other names: p.Cys569*; short protein forms C569*.
Identifiers: ClinVar variation 4291415 (VCV004291415.2).